The following is an entry in ClinVar:

NM_005592.4(MUSK):c.31_34del (p.His11fs)

Gene: MUSK (muscle associated receptor tyrosine kinase; plus strand). Cytogenetic location: 9q31.3.
Variant type: Deletion.
Coding change: c.31_34del on transcript NM_005592.4 (MANE Select); coding-DNA positions 31 to 34, 4 bases deleted (CATA; older notation c.31_34delCATA).
Protein change: p.His11fs; shifts the reading frame from histidine 11.
Molecular consequence: frameshift variant.
Genome position (GRCh38, 1-based): chr9:110,668,935-110,668,938, CATA deleted; deleting any 4 consecutive bases within chr9:110,668,933-110,668,938 gives the same sequence; the c. name uses the placement nearest the transcript's 3' end. VCF-style (leftmost placement, unchanged base first): chr9-110668932-GTACA-G. GRCh37 (hg19) VCF-style: chr9-113431212-GTACA-G.
Other names: c.31_34del, p.His11fs (NM_001166280.2, NM_001166281.2); short protein forms H11fs.
Identifiers: ClinVar variation 2018617 (VCV002018617.4), dbSNP rs2490470325, ClinGen allele CA2580079409.

ClinVar aggregate classification (germline): Pathogenic (1 of 4 stars; one submission).

Conditions:
Fetal akinesia deformation sequence 1 (FADS1). Also called: Pena-Shokeir syndrome type I; Fetal akinesia sequence. Identifiers: Orphanet 994, MedGen C1276035, MONDO:0100101, OMIM 208150, HP:0001989.
Congenital myasthenic syndrome 9. Also called: Myasthenic syndrome, congenital, 9, associated with acetylcholine receptor deficiency. Identifiers: Orphanet 590, MedGen C4225368, MONDO:0014587, OMIM 616325.

Submission:

Labcorp Genetics (formerly Invitae), Labcorp
Classification: Pathogenic for Congenital myasthenic syndrome 9; Fetal akinesia deformation sequence 1. Last evaluated: 2022-07-27. Review status: criteria provided, single submitter. Criteria: Invitae Variant Classification Sherloc (09022015). Collection method: clinical testing. Allele origin: germline.
Comment: This sequence change creates a premature translational stop signal (p.His11Phefs*29) in the MUSK gene. It is expected to result in an absent or disrupted protein product. Loss-of-function variants in MUSK are known to be pathogenic (PMID: 8653786, 25612909, 25695962, 25900532). This variant is not present in population databases (gnomAD no frequency). For these reasons, this variant has been classified as Pathogenic. This variant has not been reported in the literature in individuals affected with MUSK-related conditions.

Literature cited by the submitters: PubMed 8653786; PubMed 25612909; PubMed 25695962; PubMed 25900532.